The following is an entry in ClinVar:

ClinVar aggregate classification (germline): Uncertain significance. Review status: criteria provided, multiple submitters, no conflicts (2 of 4 stars). 2 submissions from 2 submitters: Uncertain significance (2). Last evaluated 2023-05-02.

Conditions:
INPP5E-related disorder. Also called: INPP5E-related condition.

gnomAD v4.1: 4 of 1,551,610 alleles (0.00026%); highest among the groups gnomAD compares: Non-Finnish European, 0.00035%; no homozygotes.

Submissions (2):

PreventionGenetics, part of Exact Sciences
Classification: Uncertain significance for INPP5E-related condition. Last evaluated: 2023-05-02. Review status: criteria provided, single submitter. Criteria: ACMG Guidelines, 2015. Collection method: clinical testing. Allele origin: germline.
Comment: The INPP5E c.1337T>C variant is predicted to result in the amino acid substitution p.Leu446Pro. To our knowledge, this variant has not been reported in the literature or in a large population database, indicating this variant is rare. At this time, the clinical significance of this variant is uncertain due to the absence of conclusive functional and genetic evidence.

Blueprint Genetics
Classification: Uncertain significance. Last evaluated: 2019-11-20. Review status: criteria provided, single submitter. Criteria: ACMG Guidelines, 2015. Collection method: clinical testing. Allele origin: germline.

NM_019892.6(INPP5E):c.1337T>C (p.Leu446Pro)

Gene: INPP5E (inositol polyphosphate-5-phosphatase E; minus strand). Cytogenetic location: 9q34.3.
Variant type: single nucleotide variant.
Coding change: c.1337T>C on transcript NM_019892.6 (MANE Select); coding-DNA position 1337, T replaced by C.
Protein change: p.Leu446Pro; replaces leucine 446 with proline.
Molecular consequence: missense variant.
Genome position (GRCh38, 1-based): chr9:136,432,529, A>G on the plus strand (T>C on the coding strand, the complement: INPP5E is on the minus strand). VCF-style: chr9-136432529-A-G. GRCh37 (hg19) VCF-style: chr9-139326981-A-G.
Other names: c.1334T>C, p.Leu445Pro (NM_001318502.2); short protein forms L445P, L446P.
Identifiers: ClinVar variation 866514 (VCV000866514.3), dbSNP rs1238625120, ClinGen allele CA375563407.
Genomic context (GRCh38, chr9:136,432,529, plus strand): 5'-ACGCCCTCACCTGCGCTGGAGCGATAGGGGTTGGTGTCGGGCACATTTCTGGGCAGGACC[A>G]GGGCTTGTACAGTCCTGGTGTAGTCCAGCAGCCGCTCCGCCACCTTCCCGTCACCTGCTG-3'
Protein context (NP_063945.2, residues 436-456): LLDYTRTVQA[Leu446Pro]VLPRNVPDTN